The following is an entry in ClinVar:

ClinVar aggregate classification (germline): Uncertain significance (1 of 4 stars; one submission).

Conditions:
SEMA3B-related disorder. Also called: SEMA3B-related condition.

Submission:

PreventionGenetics, part of Exact Sciences
Classification: Uncertain significance for SEMA3B-related condition. Last evaluated: 2025-03-25. Review status: criteria provided, single submitter. Criteria: ACMG Guidelines, 2015. Collection method: clinical testing. Allele origin: germline.
Comment: The SEMA3B c.2044G>A variant is predicted to result in the amino acid substitution p.Ala682Pro. To our knowledge, this variant has not been reported in the literature or in a large population database (gnomAD), indicating this variant is rare. At this time, the clinical significance of this variant is uncertain due to the absence of conclusive functional and genetic evidence.

NM_001290060.2(SEMA3B):c.2029G>A (p.Ala677Thr)

Gene: SEMA3B (semaphorin 3B; plus strand). Cytogenetic location: 3p21.31.
Variant type: single nucleotide variant.
Coding change: c.2029G>A on transcript NM_001290060.2 (MANE Select); coding-DNA position 2029, G replaced by A.
Protein change: p.Ala677Thr; replaces alanine 677 with threonine.
Molecular consequence: missense variant. On other transcripts: non-coding transcript variant (1).
Genome position (GRCh38, 1-based): chr3:50,276,485, G>A. VCF-style: chr3-50276485-G-A. GRCh37 (hg19) VCF-style: chr3-50313916-G-A.
Other names: c.2026G>A, p.Ala676Thr (NM_001005914.3, NM_001435957.1, NM_001435958.1); c.2044G>A, p.Ala682Thr (NM_001290061.1); c.1000G>A, p.Ala334Thr (NM_001290062.2, NM_001290063.2); c.2029G>A, p.Ala677Thr (NM_001435956.1, NM_004636.4); short protein forms A676T, A334T, A677T, A682T.
Identifiers: ClinVar variation 4996760 (VCV004996760.1).